The following is an entry in ClinVar:

ClinVar aggregate classification (germline): Uncertain significance (1 of 4 stars; one submission).

Conditions:
Inflammatory skin and bowel disease, neonatal, 1. Identifiers: Orphanet 294023, MedGen C3280501, MONDO:0013693, OMIM 614328.

Submission:

Labcorp Genetics (formerly Invitae), Labcorp
Classification: Uncertain significance for Inflammatory skin and bowel disease, neonatal, 1. Last evaluated: 2023-05-15. Review status: criteria provided, single submitter. Criteria: Invitae Variant Classification Sherloc (09022015). Collection method: clinical testing. Allele origin: germline.
Comment: In summary, the available evidence is currently insufficient to determine the role of this variant in disease. Therefore, it has been classified as a Variant of Uncertain Significance. An algorithm developed to predict the effect of missense changes on protein structure and function (PolyPhen-2) suggests that this variant is likely to be disruptive. ClinVar contains an entry for this variant (Variation ID: 1416812). This variant has not been reported in the literature in individuals affected with ADAM17-related conditions. This variant is not present in population databases (gnomAD no frequency). This sequence change replaces glycine, which is neutral and non-polar, with glutamic acid, which is acidic and polar, at codon 627 of the ADAM17 protein (p.Gly627Glu).

NM_003183.6(ADAM17):c.1880G>A (p.Gly627Glu)

Genes: ADAM17 (ADAM metallopeptidase domain 17; minus strand), IAH1 (isoamyl acetate hydrolyzing esterase 1 (putative); plus strand). Cytogenetic location: 2p25.1.
Variant type: single nucleotide variant.
Coding change: c.1880G>A on transcript NM_003183.6 (MANE Select); coding-DNA position 1880, G replaced by A.
Protein change: p.Gly627Glu; replaces glycine 627 with glutamic acid.
Molecular consequence: missense variant.
Genome position (GRCh38, 1-based): chr2:9,494,671, C>T on the plus strand (G>A on the coding strand, the complement: ADAM17 is on the minus strand). VCF-style: chr2-9494671-C-T. GRCh37 (hg19) VCF-style: chr2-9634800-C-T.
Other names: c.1220G>A, p.Gly407Glu (NM_001382777.1); c.983G>A, p.Gly328Glu (NM_001382778.1); short protein forms G328E, G627E, G407E.
Identifiers: ClinVar variation 1416812 (VCV001416812.6), dbSNP rs2124966841, ClinGen allele CA345796938.